The following is an entry in ClinVar:

NM_004715.5(CTDP1):c.1602G>T (p.Glu534Asp)

Gene: CTDP1 (CTD phosphatase 1; plus strand). Cytogenetic location: 18q23.
Variant type: single nucleotide variant.
Coding change: c.1602G>T on transcript NM_004715.5 (MANE Select); coding-DNA position 1602, G replaced by T.
Protein change: p.Glu534Asp; replaces glutamic acid 534 with aspartic acid.
Molecular consequence: missense variant.
Genome position (GRCh38, 1-based): chr18:79,715,062, G>T. VCF-style: chr18-79715062-G-T. GRCh37 (hg19) VCF-style: chr18-77475062-G-T.
Other names: p.Glu534Asp; c.1245G>T, p.Glu415Asp (NM_001202504.1); c.1602G>T, p.Glu534Asp (NM_001318511.2, NM_048368.4); short protein forms E415D, E534D.
Identifiers: ClinVar variation 783808 (VCV000783808.9), dbSNP rs112655649, ClinGen allele CA9010345.

ClinVar aggregate classification (germline): Benign/Likely benign. Review status: criteria provided, multiple submitters, no conflicts (2 of 4 stars). 3 submissions from 3 submitters: Benign (1); Likely benign (2). Last evaluated 2026-07-01.

Allele frequency attached by ClinVar (database versions not stated): gnomAD exomes 0.00087; ExAC 0.00125; 1000 Genomes Project 30x 0.00281; gnomAD 0.00318 and 0.00349; 1000 Genomes Project 0.00319; TOPMed 0.00373; ESP Exome Variant Server 0.00400.
gnomAD v4.1: 981 of 1,611,702 alleles (0.061%); highest among the groups gnomAD compares: African/African-American, 1.1%; 7 homozygotes.

Submissions (3):

CeGaT Center for Human Genetics Tuebingen
Classification: Likely benign. Last evaluated: 2026-07-01. Review status: criteria provided, single submitter. Criteria: CeGaT Center For Human Genetics Tuebingen Variant Classification Criteria Version 2. Collection method: clinical testing. Allele origin: germline. Affected: yes. Observed: 3 variant alleles.
Comment: CTDP1: BS1

Mayo Clinic Laboratories, Mayo Clinic
Classification: Likely benign. Last evaluated: 2025-05-12. Review status: criteria provided, single submitter. Criteria: ACMG Guidelines, 2015. Collection method: clinical testing. Allele origin: germline. Observed: 8 variant alleles.
Comment: BS1, BP4

Labcorp Genetics (formerly Invitae), Labcorp
Classification: Benign. Last evaluated: 2019-12-31. Review status: criteria provided, single submitter. Criteria: Invitae Variant Classification Sherloc (09022015). Collection method: clinical testing. Allele origin: germline.